The following is an entry in ClinVar:

NC_000007.13:g.(?_16341026)_(16415886_?)del

Gene: CRPPA (CDP-L-ribitol pyrophosphorylase A; minus strand). Cytogenetic location: 7p21.2.
Variant type: Deletion.
Identifiers: ClinVar variation 1680627 (VCV001680627.7).

ClinVar aggregate classification (germline): Pathogenic (1 of 4 stars; one submission).

Conditions:
Muscular dystrophy-dystroglycanopathy (congenital with brain and eye anomalies), type A, 7. Also called: WALKER-WARBURG SYNDROME OR MUSCLE-EYE-BRAIN DISEASE, ISPD-RELATED; Congenital muscular dystrophy-dystroglycanopathy with brain and eye anomalies, type A7. Identifiers: Orphanet 899, MedGen C3553330, MONDO:0013835, OMIM 614643.
Autosomal recessive limb-girdle muscular dystrophy type 2U. Also called: Muscular dystrophy-dystroglycanopathy (limb-girdle), type c, 7; MUSCULAR DYSTROPHY, LIMB-GIRDLE, TYPE 2U. Identifiers: Orphanet 352479, MedGen C5190987, MONDO:0014474, OMIM 616052.

Submission:

Labcorp Genetics (formerly Invitae), Labcorp
Classification: Pathogenic for Muscular dystrophy-dystroglycanopathy (congenital with brain and eye anomalies), type A, 7; Autosomal recessive limb-girdle muscular dystrophy type 2U. Last evaluated: 2023-08-04. Review status: criteria provided, single submitter. Criteria: Invitae Variant Classification Sherloc (09022015). Collection method: clinical testing. Allele origin: germline.
Comment: For these reasons, this variant has been classified as Pathogenic. This variant has not been reported in the literature in individuals affected with ISPD-related conditions. This variant is a gross deletion of the genomic region encompassing exon(s) 3-5 of the ISPD gene. This deletion is out-of-frame, and is expected to create a premature termination codon and result in an absent or disrupted protein product. Loss-of-function variants in ISPD are known to be pathogenic (PMID: 23288328).

Literature cited by the submitters: PubMed 23288328.